The following is an entry in ClinVar:

ClinVar aggregate classification (germline): Conflicting classifications of pathogenicity. Review status: criteria provided, conflicting classifications (1 of 4 stars). 14 submissions from 13 submitters: Uncertain significance (13); Likely benign (1). Last evaluated 2026-01-23.

Conditions:
Wolfram syndrome 1 (WFS1). Identifiers: Orphanet 3463, MedGen C4551693, MONDO:0009101, OMIM 222300.
Autosomal dominant nonsyndromic hearing loss 6 (LFSNHL). Also called: DEAFNESS, AUTOSOMAL DOMINANT 6; DEAFNESS, AUTOSOMAL DOMINANT 14; DEAFNESS, AUTOSOMAL DOMINANT 38; Autosomal dominant nonsyndromic deafness 6. Identifiers: Orphanet 90635, MedGen C1833021, MONDO:0010963, OMIM 600965.
Monogenic diabetes. Identifiers: Orphanet 183625, MedGen C3888631, MONDO:0015967.
WFS1-Related Spectrum Disorders.
Cataract 41 (CTRCT41). Also called: CATARACT 41, CONGENITAL NUCLEAR TYPE. Identifiers: Orphanet 91492, Orphanet 98991, Orphanet 98992, Orphanet 98995, MedGen C3805412, MONDO:0007287, OMIM 116400.
Type 2 diabetes mellitus. Also called: Type II diabetes mellitus. Identifiers: MedGen C0011860, MeSH D003924, MONDO:0005148, OMIM 125853, HP:0005978.
Wolfram-like syndrome. Also called: HEARING LOSS, PROGRESSIVE, WITH OPTIC ATROPHY AND/OR IMPAIRED GLUCOSE REGULATION. Identifiers: Orphanet 411590, MedGen C3280358, MONDO:0013673, OMIM 614296.
WFS1-related disorder. Identifiers: MedGen CN379391, MONDO:0700293.

Allele frequency attached by ClinVar (database versions not stated): gnomAD exomes 0.00017 and 0.00045; gnomAD 0.00029 and 0.00025; ESP Exome Variant Server 0.00038; ExAC 0.00011; TOPMed 0.00031.
gnomAD v4.1: 678 of 1,614,062 alleles (0.042%); highest among the groups gnomAD compares: Non-Finnish European, 0.056%; no homozygotes.

Submissions (14):

Labcorp Genetics (formerly Invitae), Labcorp
Classification: Likely benign. Last evaluated: 2026-01-23. Review status: criteria provided, single submitter. Criteria: Invitae Variant Classification Sherloc (09022015). Collection method: clinical testing. Allele origin: germline.

PreventionGenetics, part of Exact Sciences
Classification: Uncertain significance for WFS1-related condition. Last evaluated: 2026-01-12. Review status: criteria provided, single submitter. Criteria: ACMG Guidelines, 2015. Collection method: clinical testing. Allele origin: germline.
Comment: The WFS1 c.1265C>T variant is predicted to result in the amino acid substitution p.Ala422Val. To our knowledge, this variant has not been reported in the literature. This variant is reported in 0.035% of alleles in individuals of European (Non-Finnish) descent in gnomAD. At this time, the clinical significance of this variant is uncertain due to the absence of conclusive functional and genetic evidence.

Genetic Services Laboratory, University of Chicago
Classification: Uncertain significance. Last evaluated: 2025-01-31. Review status: criteria provided, single submitter. Criteria: ACMG Guidelines, 2015. Collection method: clinical testing. Allele origin: germline.
Comment: DNA sequence analysis of the WFS1 gene demonstrated a sequence change, c.1265C>T, in exon 8 that results in an amino acid change, p.Ala422Val. This sequence change has been described in the gnomAD database with a frequency of 0.03% in the non-Finnish European subpopulation (dbSNP rs150368988). The p.Ala422Val change affects a moderately conserved amino acid residue located in a domain of the WFS1 protein that is not known to be functional. In-silico pathogenicity prediction tools (SIFT, PolyPhen2, Align GVGD, REVEL) provide contradictory results for the p.Ala422Val substitution. This sequence change does not appear to have been previously described in individuals with WFS1-related disorders. Due to insufficient evidences and the lack of functional studies, the clinical significance of the p.Ala422Val change remains unknown at this time.

Blueprint Genetics
Classification: Uncertain significance. Last evaluated: 2024-07-08. Review status: criteria provided, single submitter. Criteria: ACMG Guidelines, 2015. Collection method: clinical testing. Allele origin: germline.

Fulgent Genetics
Classification: Uncertain significance for Cataract 41; Type 2 diabetes mellitus; Wolfram syndrome 1; Autosomal dominant nonsyndromic hearing loss 6; Wolfram-like syndrome. Last evaluated: 2024-02-02. Review status: criteria provided, single submitter. Criteria: ACMG Guidelines, 2015. Collection method: clinical testing. Allele origin: germline.

Mayo Clinic Laboratories, Mayo Clinic
Classification: Uncertain significance. Last evaluated: 2023-08-10. Review status: criteria provided, single submitter. Criteria: ACMG Guidelines, 2015. Collection method: clinical testing. Allele origin: germline. Observed: 1 variant allele.

GeneDx
Classification: Uncertain significance. Last evaluated: 2023-05-04. Review status: criteria provided, single submitter. Criteria: GeneDx Variant Classification Process June 2021. Collection method: clinical testing. Allele origin: germline. Affected: yes.
Comment: Has not been previously published as pathogenic or benign to our knowledge; In silico analysis supports that this missense variant does not alter protein structure/function

Revvity Omics, Revvity
Classification: Uncertain significance. Last evaluated: 2022-04-07. Review status: criteria provided, single submitter. Criteria: ACMG Guidelines, 2015. Collection method: clinical testing. Allele origin: germline.

Athena Diagnostics
Classification: Uncertain significance. Last evaluated: 2019-04-19. Review status: criteria provided, single submitter. Criteria: Athena Diagnostics Criteria. Collection method: clinical testing. Allele origin: germline.

Laboratory for Molecular Medicine, Mass General Brigham Personalized Medicine
Classification: Uncertain significance. Last evaluated: 2018-11-13. Review status: criteria provided, single submitter. Criteria: LMM Criteria. Collection method: clinical testing. Allele origin: germline. Observed: 1 variant allele.
Comment: The p.Ala422Val variant in WFS1 has not been previously reported in individuals with hearing loss or Wolfram syndrome, but has been identified in 0.035% (45/129 150) of European chromosomes by gnomAD. This variant has also been reported in ClinVar (Variation ID 393388). Computational p rediction tools and conservation analysis do not provide strong support for or a gainst an impact to the protein. In summary, the clinical significance of the p. Ala422Val variant is uncertain. ACMG/AMP Criteria applied: None.

Illumina Laboratory Services, Illumina
Classification: Uncertain significance for Autosomal dominant nonsyndromic hearing loss 6. Last evaluated: 2018-01-12. Review status: criteria provided, single submitter. Criteria: ICSL Variant Classification Criteria 13 December 2019. Collection method: clinical testing. Allele origin: germline.

Illumina Laboratory Services, Illumina
Classification: Uncertain significance for WFS1-Related Spectrum Disorders. Last evaluated: 2018-01-12. Review status: criteria provided, single submitter. Criteria: ICSL Variant Classification Criteria 13 December 2019. Collection method: clinical testing. Allele origin: germline.

Personalized Diabetes Medicine Program, University of Maryland School of Medicine
Classification: Uncertain significance for Monogenic diabetes. Last evaluated: 2016-03-04. Review status: criteria provided, single submitter. Criteria: ACMG Guidelines, 2015. Collection method: research. Allele origin: unknown. Observed: 1 variant allele, 1 heterozygote.
Comment: ACMG Criteria: PP3, BP4

Clinical Genomics, Uppaluri K&H Personalized Medicine Clinic
Classification: Uncertain significance for Wolfram syndrome 1. Review status: criteria provided, single submitter. Criteria: K & H Uppaluri Personalized Medicine Clinic Variant Classification & Assertion Criteria_Updated V.1. Collection method: research. Allele origin: unknown. Inheritance: Autosomal recessive inheritance.
Comment: Potent mutations in WFS1 gene are associated with Wolfram's syndrome, an autosomal recessive condition, which cause diabetes mellitus, diabetes insipidus, deafness and optic atrophy.However no sufficient evidence is found to ascertain the role of this particular variant rs150368988 in Wolfram's syndrome yet.

Literature cited by the submitters: PubMed 20738327 (cited by Clinical Genomics, Uppaluri K&H Personalized Medicine Clinic); PubMed 33879153 (cited by Clinical Genomics, Uppaluri K&H Personalized Medicine Clinic); PubMed 12955714 (cited by Clinical Genomics, Uppaluri K&H Personalized Medicine Clinic); PubMed 18060660 (cited by Clinical Genomics, Uppaluri K&H Personalized Medicine Clinic); PubMed 20301750 (cited by Clinical Genomics, Uppaluri K&H Personalized Medicine Clinic); PubMed 17603484 (cited by Clinical Genomics, Uppaluri K&H Personalized Medicine Clinic).

NM_006005.3(WFS1):c.1265C>T (p.Ala422Val)

Gene: WFS1 (wolframin ER transmembrane glycoprotein; plus strand). Cytogenetic location: 4p16.1.
Variant type: single nucleotide variant.
Coding change: c.1265C>T on transcript NM_006005.3 (MANE Select); coding-DNA position 1265, C replaced by T.
Protein change: p.Ala422Val; replaces alanine 422 with valine.
Molecular consequence: missense variant.
Genome position (GRCh38, 1-based): chr4:6,301,060, C>T. VCF-style: chr4-6301060-C-T. GRCh37 (hg19) VCF-style: chr4-6302787-C-T.
Other names: c.1265C>T, p.Ala422Val (NM_001145853.1); short protein forms A422V.
Identifiers: ClinVar variation 393388 (VCV000393388.35), dbSNP rs150368988, ClinGen allele CA2839291.